The following is an entry in ClinVar:

ClinVar aggregate classification (germline): Uncertain significance (1 of 4 stars; one submission).

Conditions:
Transcobalamin II deficiency (TCN2D). Also called: TC II DEFICIENCY; TCN2 DEFICIENCY; Transcolabamin II deficiency. Identifiers: Orphanet 859, MedGen C0342701, MONDO:0010149, OMIM 275350.

Submission:

Labcorp Genetics (formerly Invitae), Labcorp
Classification: Uncertain significance for Transcobalamin II deficiency. Last evaluated: 2022-05-29. Review status: criteria provided, single submitter. Criteria: Invitae Variant Classification Sherloc (09022015). Collection method: clinical testing. Allele origin: germline.
Comment: In summary, the available evidence is currently insufficient to determine the role of this variant in disease. Therefore, it has been classified as a Variant of Uncertain Significance. Algorithms developed to predict the effect of sequence changes on RNA splicing suggest that this variant is not likely to affect RNA splicing. This variant has not been reported in the literature in individuals affected with TCN2-related conditions. This variant is not present in population databases (gnomAD no frequency). This sequence change affects codon 142 of the TCN2 mRNA. It is a 'silent' change, meaning that it does not change the encoded amino acid sequence of the TCN2 protein. It affects a nucleotide within the consensus splice site.

NM_000355.4(TCN2):c.426T>C (p.Ile142=)

Gene: TCN2 (transcobalamin 2; plus strand). Cytogenetic location: 22q12.2.
Variant type: single nucleotide variant.
Coding change: c.426T>C on transcript NM_000355.4 (MANE Select); coding-DNA position 426, T replaced by C.
Protein change: p.Ile142=; no amino-acid change (isoleucine 142 retained).
Molecular consequence: synonymous variant. On other transcripts: intron variant (1).
Genome position (GRCh38, 1-based): chr22:30,613,041, T>C. VCF-style: chr22-30613041-T-C. GRCh37 (hg19) VCF-style: chr22-31009028-T-C.
Other names: c.346+80T>C (NM_001184726.2).
Identifiers: ClinVar variation 2081461 (VCV002081461.2), dbSNP rs2517903855, ClinGen allele CA514220667.